The following is an entry in ClinVar:

ClinVar aggregate classification (germline): Pathogenic. Review status: criteria provided, multiple submitters, no conflicts (2 of 4 stars). 7 submissions from 7 submitters: Pathogenic (7). Last evaluated 2025-01-02.

Conditions:
Tibial pseudarthrosis. Identifiers: MedGen C4024216, HP:0009736.
Neurofibromatosis, type 1 (NF1). Also called: VON RECKLINGHAUSEN DISEASE; NEUROFIBROMATOSIS, TYPE I, SOMATIC; Neurofibromatosis, type I; Peripheral type neurofibromatosis. Identifiers: Orphanet 636, MedGen C0027831, MONDO:0018975, OMIM 162200. Disease mechanism: loss of function.
Hereditary cancer-predisposing syndrome. Also called: Hereditary Cancer Syndrome; Hereditary neoplastic syndrome; Tumor predisposition; Neoplastic Syndromes, Hereditary. Identifiers: Orphanet 140162, MedGen C0027672, MeSH D009386, MONDO:0015356.
Cardiovascular phenotype. Identifiers: MedGen CN230736.

Submissions (7):

Ambry Genetics
Classification: Pathogenic for Cardiovascular phenotype; Hereditary cancer-predisposing syndrome. Last evaluated: 2025-01-02. Review status: criteria provided, single submitter. Criteria: Ambry Variant Classification Scheme 2023. Collection method: clinical testing. Allele origin: germline.
Comment: The c.654+1G>A intronic pathogenic mutation results from a G to A substitution one nucleotide after coding exon 6 of the NF1 gene. This variant was reported in individual(s) with features consistent with neurofibromatosis type 1 (NF1) (Zhu G et al. Orphanet J Rare Dis, 2019 Sep;14:221; Ambry internal data). This variant is considered to be rare based on population cohorts in the Genome Aggregation Database (gnomAD). This nucleotide position is highly conserved in available vertebrate species. In silico splice site analysis predicts that this alteration will weaken the native splice donor site. Alterations that disrupt the canonical splice site are expected to cause aberrant splicing, resulting in an abnormal protein or a transcript that is subject to nonsense-mediated mRNA decay. Based on the supporting evidence, this variant is interpreted as a disease-causing mutation.

Labcorp Genetics (formerly Invitae), Labcorp
Classification: Pathogenic for Neurofibromatosis, type 1. Last evaluated: 2023-04-14. Review status: criteria provided, single submitter. Criteria: Invitae Variant Classification Sherloc (09022015). Collection method: clinical testing. Allele origin: germline.
Comment: For these reasons, this variant has been classified as Pathogenic. Algorithms developed to predict the effect of sequence changes on RNA splicing suggest that this variant may disrupt the consensus splice site. ClinVar contains an entry for this variant (Variation ID: 439982). Disruption of this splice site has been observed in individual(s) with neurofibromatosis type-1 (PMID: 21354044). This variant is not present in population databases (gnomAD no frequency). This sequence change affects a donor splice site in intron 6 of the NF1 gene. It is expected to disrupt RNA splicing. Variants that disrupt the donor or acceptor splice site typically lead to a loss of protein function (PMID: 16199547), and loss-of-function variants in NF1 are known to be pathogenic (PMID: 10712197, 23913538).

Genome-Nilou Lab
Classification: Pathogenic for Neurofibromatosis, type 1. Last evaluated: 2022-03-15. Review status: criteria provided, single submitter. Criteria: ACMG Guidelines, 2015. Collection method: clinical testing. Allele origin: germline. Affected: no.

Dasa
Classification: Pathogenic for Neurofibromatosis, type 1. Last evaluated: 2022-02-05. Review status: criteria provided, single submitter. Criteria: ACMG Guidelines, 2015. Collection method: clinical testing. Allele origin: germline. Affected: yes. Observed: 1 variant allele.
Comment: The c.654+1G>A variant is located in a canonical splice-site, and it is predicted to alter gene function due to either exon skipping or nonsense-mediate decay – NMD, and the variant is present in a relevant exon to the transcript - PVS1. This sequence change has been observed in affected individual(s) and ClinVar contains an entry for this variant (Clinvar ID: 439982; PMID: 31533797) - PS4_moderate. This variant is not present in population databases (rs1060500245; gnomAD; ABraOM no frequency) - PM2. In summary, the currently available evidence indicates that the variant is pathogenic.

GeneDx
Classification: Pathogenic. Last evaluated: 2020-01-31. Review status: criteria provided, single submitter. Criteria: GeneDx Variant Classification Process June 2021. Collection method: clinical testing. Allele origin: germline. Affected: yes.
Comment: Canonical splice site variant in a gene for which loss-of-function is a known mechanism of disease; Not observed in large population cohorts (Lek 2016); Observed in individuals with clinically diagnosed neurofibromatosis type 1 referred for genetic testing at GeneDx and in published literature (Zhu 2019); This variant is associated with the following publications: (PMID: 31533797)

The Laboratory of Genetics and Metabolism, Hunan Children’s Hospital
Classification: Pathogenic for Neurofibromatosis, type 1; Tibial pseudoarthrosis. Last evaluated: 2018-11-10. Review status: criteria provided, single submitter. Criteria: ACMG Guidelines, 2015. Collection method: research. Allele origin: maternal. Affected: yes. Observed: 1 variant allele.

ARUP Laboratories, Molecular Genetics and Genomics, ARUP Laboratories
Classification: Pathogenic. Last evaluated: 2016-10-05. Review status: criteria provided, single submitter. Criteria: ARUP Molecular Germline Variant Investigation Process. Collection method: clinical testing. Allele origin: germline.

Literature cited by the submitters: PubMed 31533797 (cited by 3 submitters); PubMed 21354044 (cited by Labcorp Genetics (formerly Invitae), Labcorp); PubMed 16199547 (cited by Labcorp Genetics (formerly Invitae), Labcorp); PubMed 10712197 (cited by Labcorp Genetics (formerly Invitae), Labcorp); PubMed 23913538 (cited by Labcorp Genetics (formerly Invitae), Labcorp).

NM_001042492.3(NF1):c.654+1G>A

Gene: NF1 (neurofibromin 1; plus strand). Cytogenetic location: 17q11.2.
Variant type: single nucleotide variant.
Coding change: c.654+1G>A on transcript NM_001042492.3 (MANE Select); the canonical splice donor site of the intron after coding-DNA position 654, G replaced by A.
Molecular consequence: splice donor variant.
Genome position (GRCh38, 1-based): chr17:31,181,490, G>A. VCF-style: chr17-31181490-G-A. GRCh37 (hg19) VCF-style: chr17-29508508-G-A.
Other names: c.654+1G>A (NM_000267.4, NM_001128147.3).
Identifiers: ClinVar variation 439982 (VCV000439982.19), dbSNP rs1060500245, ClinGen allele CA398989532.
Genomic context (GRCh38, chr17:31,181,490, plus strand): 5'-TTTAAATTTAAAGCCCTAAAGAAGGTTGCGCAGTTAGCAGTTATAAATAGCCTGGAAAAG[G>A]TAAGTTACAACCTCTCTGGTATTAAAATTTTGTTTTTGATGTAAAATTTGCTGTTGTTAG-3'